The following is an entry in ClinVar:

NM_000170.3(GLDC):c.968del (p.Pro323fs)

Gene: GLDC (glycine decarboxylase; minus strand). Cytogenetic location: 9p24.1.
Variant type: Deletion.
Coding change: c.968del on transcript NM_000170.3 (MANE Select); coding-DNA position 968, one base deleted (C; older notation c.968delC).
Protein change: p.Pro323fs; shifts the reading frame from proline 323.
Molecular consequence: frameshift variant.
Genome position (GRCh38, 1-based): chr9:6,604,678, G deleted on the plus strand (C on the coding strand, the reverse complement: GLDC is on the minus strand); the first of 2 consecutive G bases (chr9:6,604,678-6,604,679); deleting either gives the same sequence. VCF-style (leftmost placement, unchanged base first): chr9-6604677-TG-T. GRCh37 (hg19) VCF-style: chr9-6604677-TG-T.
Other names: short protein forms P323fs.
Identifiers: ClinVar variation 5015545 (VCV005015545.1).

ClinVar aggregate classification (germline): Pathogenic (1 of 4 stars; one submission).

Conditions:
Glycine encephalopathy 1 (GCE1). Identifiers: MedGen CN376801, MONDO:0958179, OMIM 605899.

Submission:

Myriad Genetics, Inc.
Classification: Pathogenic for Glycine encephalopathy 1. Last evaluated: 2026-02-12. Review status: criteria provided, single submitter. Criteria: Myriad Autosomal Dominant, Autosomal Recessive and X-Linked Classification Criteria (2023). Collection method: clinical testing. Allele origin: unknown.
Comment: NM_000170.2(GLDC):c.968delC(P323Hfs*19) is expected to be pathogenic in the context of glycine encephalopathy, GLDC-related. This variant is predicted to lead to an abnormal or absent protein product due to the creation of a premature termination codon in GLDC, a gene where loss-of-function variants are known to be pathogenic. Please note: this variant was assessed in the context of healthy population screening.